The following is an entry in ClinVar:

NM_004826.4(ECEL1):c.2166G>A (p.Lys722=)

Gene: ECEL1 (endothelin converting enzyme like 1; minus strand). Cytogenetic location: 2q37.1.
Variant type: single nucleotide variant.
Coding change: c.2166G>A on transcript NM_004826.4 (MANE Select); coding-DNA position 2166, G replaced by A.
Protein change: p.Lys722=; no amino-acid change (lysine 722 retained).
Molecular consequence: synonymous variant.
Genome position (GRCh38, 1-based): chr2:232,480,461, C>T on the plus strand (G>A on the coding strand, the complement: ECEL1 is on the minus strand). VCF-style: chr2-232480461-C-T. GRCh37 (hg19) VCF-style: chr2-233345171-C-T.
Other names: c.2160G>A, p.Lys720= (NM_001290787.2).
Identifiers: ClinVar variation 722050 (VCV000722050.5), dbSNP rs370058908, ClinGen allele CA2166902.

ClinVar aggregate classification (germline): Likely benign. Review status: criteria provided, single submitter (1 of 4 stars). 2 submissions from 2 submitters: Likely benign (1). 1 of the submissions does not count toward it. Last evaluated 2019-12-31.

Conditions:
ECEL1-related disorder. Also called: ECEL1-related condition.

Allele frequency attached by ClinVar (database versions not stated): gnomAD exomes 0.00001 and 0.00004; ExAC 0.00003; gnomAD 0.00005; TOPMed 0.00006.
gnomAD v4.1: 83 of 1,613,838 alleles (0.0051%); highest among the groups gnomAD compares: East Asian, 0.033%; no homozygotes.

Submissions (2):

Labcorp Genetics (formerly Invitae), Labcorp
Classification: Likely benign. Last evaluated: 2019-12-31. Review status: criteria provided, single submitter. Criteria: Invitae Variant Classification Sherloc (09022015). Collection method: clinical testing. Allele origin: germline.

PreventionGenetics, part of Exact Sciences
Classification: Likely benign for ECEL1-related condition. Last evaluated: 2024-03-11. Review status: no assertion criteria provided. Collection method: clinical testing. Allele origin: germline. Not counted in ClinVar's aggregate classification.
Comment: This variant is classified as likely benign based on ACMG/AMP sequence variant interpretation guidelines (Richards et al. 2015 PMID: 25741868, with internal and published modifications).